The following is an entry in ClinVar:

ClinVar aggregate classification (germline): Pathogenic (1 of 4 stars; one submission).

Conditions:
Hereditary nonpolyposis colorectal neoplasms. Identifiers: MedGen C0009405, MeSH D003123.

Submission:

Labcorp Genetics (formerly Invitae), Labcorp
Classification: Pathogenic for Hereditary nonpolyposis colorectal neoplasms. Last evaluated: 2019-11-01. Review status: criteria provided, single submitter. Criteria: Invitae Variant Classification Sherloc (09022015). Collection method: clinical testing. Allele origin: germline.
Comment: This sequence change creates a premature translational stop signal (p.His382Profs*29) in the MSH6 gene. It is expected to result in an absent or disrupted protein product. This variant is not present in population databases (ExAC no frequency). This variant has not been reported in the literature in individuals with MSH6-related conditions. Loss-of-function variants in MSH6 are known to be pathogenic (PMID: 18269114, 24362816). For these reasons, this variant has been classified as Pathogenic.

Literature cited by the submitters: PubMed 18269114; PubMed 24362816.

NM_000179.3(MSH6):c.1145del (p.His382fs)

Gene: MSH6 (mutS homolog 6; plus strand). Cytogenetic location: 2p16.3.
Variant type: Deletion.
Coding change: c.1145del on transcript NM_000179.3 (MANE Select); coding-DNA position 1145, one base deleted (A; older notation c.1145delA).
Protein change: p.His382fs; shifts the reading frame from histidine 382.
Molecular consequence: frameshift variant.
Genome position (GRCh38, 1-based): chr2:47,799,128, A deleted. VCF-style (leftmost placement, unchanged base first): chr2-47799127-CA-C. GRCh37 (hg19) VCF-style: chr2-48026266-CA-C.
Other names: c.755del, p.His252fs (NM_001281492.2); c.239del, p.His80fs (NM_001281493.2, NM_001281494.2); short protein forms H252fs, H80fs, H382fs.
Identifiers: ClinVar variation 954198 (VCV000954198.8), dbSNP rs1669300332, ClinGen allele CA1139657007.